The following is an entry in ClinVar:

ClinVar aggregate classification (germline): Uncertain significance (1 of 4 stars; one submission).

Conditions:
CFAP418-related disorder. Also called: CFAP418-related condition.

Submission:

PreventionGenetics, part of Exact Sciences
Classification: Uncertain significance for CFAP418-related condition. Last evaluated: 2024-10-18. Review status: criteria provided, single submitter. Criteria: ACMG Guidelines, 2015. Collection method: clinical testing. Allele origin: germline.
Comment: The CFAP418 c.596A>G variant is predicted to result in the amino acid substitution p.Gln199Arg. To our knowledge, this variant has not been reported in the literature or in a large population database (gnomAD), indicating this variant is rare. At this time, the clinical significance of this variant is uncertain due to the absence of conclusive functional and genetic evidence.

NM_177965.4(CFAP418):c.596A>G (p.Gln199Arg)

Gene: CFAP418 (cilia and flagella associated protein 418; minus strand). Cytogenetic location: 8q22.1.
Variant type: single nucleotide variant.
Coding change: c.596A>G on transcript NM_177965.4 (MANE Select); coding-DNA position 596, A replaced by G.
Protein change: p.Gln199Arg; replaces glutamine 199 with arginine.
Molecular consequence: missense variant.
Genome position (GRCh38, 1-based): chr8:95,247,645, T>C on the plus strand (A>G on the coding strand, the complement: CFAP418 is on the minus strand). VCF-style: chr8-95247645-T-C. GRCh37 (hg19) VCF-style: chr8-96259873-T-C.
Other names: c.500A>G, p.Gln167Arg (NM_001363260.1); short protein forms Q167R, Q199R.
Identifiers: ClinVar variation 4997206 (VCV004997206.1).
Genomic context (GRCh38, chr8:95,247,645, plus strand): 5'-GATGCATCTGTCCGAATGTGCAGTCTGCATTCTTAATGTTTACCACAAACCCAGCGAAGC[T>C]GATGATCTGTCTGAAGGTCAGTCACTTCTTCAATAGTTCTCCAGCTACACTGGCAGGCAT-3'
Protein context (NP_808880.1, residues 189-207): EEVTDLQTDH[Gln199Arg]LRWVCGKH